The following is an entry in ClinVar:

ClinVar aggregate classification (germline): Uncertain significance (1 of 4 stars; one submission).

Conditions:
Inborn genetic diseases. Identifiers: MedGen C0950123, MeSH D030342.

Submission:

Ambry Genetics
Classification: Uncertain significance for Inborn genetic diseases. Last evaluated: 2024-04-19. Review status: criteria provided, single submitter. Criteria: Ambry Variant Classification Scheme 2023. Collection method: clinical testing. Allele origin: germline.
Comment: The p.G85E variant (also known as c.254G>A), located in coding exon 2 of the MRAS gene, results from a G to A substitution at nucleotide position 254. The glycine at codon 85 is replaced by glutamic acid, an amino acid with similar properties. This amino acid position is conserved. In addition, this alteration is predicted to be deleterious by in silico analysis. Based on the available evidence, the clinical significance of this variant remains unclear.

NM_001085049.3(MRAS):c.254G>A (p.Gly85Glu)

Gene: MRAS (muscle RAS oncogene homolog; plus strand). Cytogenetic location: 3q22.3.
Variant type: single nucleotide variant.
Coding change: c.254G>A on transcript NM_001085049.3 (MANE Select); coding-DNA position 254, G replaced by A.
Protein change: p.Gly85Glu; replaces glycine 85 with glutamic acid.
Molecular consequence: missense variant.
Genome position (GRCh38, 1-based): chr3:138,397,384, G>A. VCF-style: chr3-138397384-G-A. GRCh37 (hg19) VCF-style: chr3-138116226-G-A.
Other names: c.254G>A, p.Gly85Glu (NM_001252090.2, NM_012219.4); c.26G>A, p.Gly9Glu (NM_001252091.1, NM_001252092.2, NM_001252093.2); short protein forms G9E, G85E.
Identifiers: ClinVar variation 3295785 (VCV003295785.1).
Genomic context (GRCh38, chr3:138,397,384, plus strand): 5'-TTCTGGACACAGCTGGGCAGGAGGAATTCAGCGCCATGCGGGAGCAATACATGCGCACGG[G>A]GGATGGCTTCCTCATCGTCTACTCCGTCACTGACAAGGCCAGCTTTGAGCACGTGGACCG-3'
Protein context (NP_001078518.1, residues 75-95): SAMREQYMRT[Gly85Glu]DGFLIVYSVT